The following is an entry in ClinVar:

ClinVar aggregate classification (germline): Likely benign (1 of 4 stars; one submission).

Conditions:
Multiple endocrine neoplasia type 2A. Also called: Multiple Endocrine Neoplasia Type 2A (MEN2A); MULTIPLE ENDOCRINE NEOPLASIA, TYPE IIA; PTC SYNDROME; SIPPLE SYNDROME; MEN 2A; MEN-2A syndrome. Identifiers: Orphanet 247698, Orphanet 653, MedGen C0025268, MeSH D018813, MONDO:0008234, OMIM 171400.

Submission:

Myriad Genetics, Inc.
Classification: Likely benign for Multiple endocrine neoplasia type 2A. Last evaluated: 2025-02-26. Review status: criteria provided, single submitter. Criteria: Myriad Autosomal Dominant, Autosomal Recessive and X-Linked Classification Criteria (2023). Collection method: clinical testing. Allele origin: unknown.
Comment: This variant is considered likely benign. This variant is intronic and is not expected to impact mRNA splicing.

NM_020975.6(RET):c.1880-17A>G

Gene: RET (ret proto-oncogene; plus strand). Cytogenetic location: 10q11.21.
Variant type: single nucleotide variant.
Coding change: c.1880-17A>G on transcript NM_020975.6 (MANE Select); 17 bases into the intron before coding-DNA position 1880, A replaced by G.
Molecular consequence: intron variant.
Genome position (GRCh38, 1-based): chr10:43,114,463, A>G. VCF-style: chr10-43114463-A-G. GRCh37 (hg19) VCF-style: chr10-43609911-A-G.
Other names: c.1880-17A>G (NM_020630.7, NM_001406743.1, NM_001406744.1 and 2 more transcripts); c.1880-152A>G (NM_001406765.1, NM_001406763.1); c.1484-17A>G (NM_001406772.1, NM_001406769.1); c.1442-17A>G (NM_001406773.1, NM_001406771.1); c.983-17A>G (NM_001406782.1, NM_001406780.1, NM_001406779.1 and 1 more transcripts); c.983-152A>G (NM_001406787.1); c.863-17A>G (NM_001406785.1); c.1751-17A>G (NM_001406764.1, NM_001406762.1, NM_001406761.1); and 10 more.
Identifiers: ClinVar variation 3904712 (VCV003904712.1).